The following is an entry in ClinVar:

NM_005911.6(MAT2A):c.501A>G (p.Leu167=)

Genes: MAT2A (methionine adenosyltransferase 2A; plus strand), GGCX (gamma-glutamyl carboxylase; minus strand). Cytogenetic location: 2p11.2.
Variant type: single nucleotide variant.
Coding change: c.501A>G on transcript NM_005911.6 (MANE Select); coding-DNA position 501, A replaced by G.
Protein change: p.Leu167=; no amino-acid change (leucine 167 retained).
Molecular consequence: synonymous variant.
Genome position (GRCh38, 1-based): chr2:85,541,924, A>G. VCF-style: chr2-85541924-A-G. GRCh37 (hg19) VCF-style: chr2-85769047-A-G.
Identifiers: ClinVar variation 477583 (VCV000477583.78), dbSNP rs75623534, ClinGen allele CA1741422.
Genomic context (GRCh38, chr2:85,541,924, plus strand): 5'-GGAGTGTATGCCTTTAACCATTGTCTTGGCACACAAGCTAAATGCCAAACTGGCAGAACT[A>G]CGCCGTAATGGCACTTTGCCTTGGTTACGCCCTGATTCTAAAACTCAAGTAAGTGATGAT-3'
Protein context (NP_005902.1, residues 157-177): AHKLNAKLAE[Leu167=]RRNGTLPWLR

ClinVar aggregate classification (germline): Benign/Likely benign. Review status: criteria provided, multiple submitters, no conflicts (2 of 4 stars). 6 submissions from 6 submitters: Benign (2); Likely benign (4). Last evaluated 2026-02-02.

Conditions:
Cardiovascular phenotype. Identifiers: MedGen CN230736.
Familial thoracic aortic aneurysm and aortic dissection (TAAD). Also called: Thoracic aortic aneurysms and dissections. Identifiers: Orphanet 91387, MedGen C4707243, MONDO:0019625.

Allele frequency attached by ClinVar (database versions not stated): gnomAD exomes 0.00019 and 0.00053; ExAC 0.00076; gnomAD 0.00207 and 0.00220; TOPMed 0.00218; ESP Exome Variant Server 0.00231; 1000 Genomes Project 30x 0.00234; 1000 Genomes Project 0.00240.

Submissions (6):

Labcorp Genetics (formerly Invitae), Labcorp
Classification: Benign for Familial thoracic aortic aneurysm and aortic dissection. Last evaluated: 2026-02-02. Review status: criteria provided, single submitter. Criteria: Invitae Variant Classification Sherloc (09022015). Collection method: clinical testing. Allele origin: germline.

Blueprint Genetics
Classification: Likely benign. Last evaluated: 2024-11-13. Review status: criteria provided, single submitter. Criteria: ACMG Guidelines, 2015. Collection method: clinical testing. Allele origin: germline.

Women's Health and Genetics/Laboratory Corporation of America, LabCorp
Classification: Benign. Last evaluated: 2023-07-21. Review status: criteria provided, single submitter. Criteria: LabCorp Variant Classification Summary - May 2015. Collection method: clinical testing. Allele origin: germline.

CeGaT Center for Human Genetics Tuebingen
Classification: Likely benign. Last evaluated: 2023-02-01. Review status: criteria provided, single submitter. Criteria: CeGaT Center For Human Genetics Tuebingen Variant Classification Criteria Version 2. Collection method: clinical testing. Allele origin: germline. Affected: yes. Observed: 1 variant allele.
Comment: MAT2A: BP4, BP7

GeneDx
Classification: Likely benign. Last evaluated: 2021-05-11. Review status: criteria provided, single submitter. Criteria: GeneDx Variant Classification Process June 2021. Collection method: clinical testing. Allele origin: germline. Affected: yes.

Ambry Genetics
Classification: Likely benign for Cardiovascular phenotype. Last evaluated: 2019-06-12. Review status: criteria provided, single submitter. Criteria: Ambry Variant Classification Scheme 2023. Collection method: clinical testing. Allele origin: germline.